The following is an entry in ClinVar:

NM_001134673.4(NFIA):c.1211G>C (p.Cys404Ser)

Gene: NFIA (nuclear factor I A; plus strand). Cytogenetic location: 1p31.3.
Variant type: single nucleotide variant.
Coding change: c.1211G>C on transcript NM_001134673.4 (MANE Select); coding-DNA position 1211, G replaced by C.
Protein change: p.Cys404Ser; replaces cysteine 404 with serine.
Molecular consequence: missense variant.
Genome position (GRCh38, 1-based): chr1:61,404,239, G>C. VCF-style: chr1-61404239-G-C. GRCh37 (hg19) VCF-style: chr1-61869911-G-C.
Other names: c.1187G>C, p.Cys396Ser (NM_001145511.2); c.1346G>C, p.Cys449Ser (NM_001145512.2); c.1211G>C, p.Cys404Ser (NM_005595.5); short protein forms C449S, C404S, C396S.
Identifiers: ClinVar variation 3197452 (VCV003197452.3), dbSNP rs760170429, ClinGen allele CA881148.

ClinVar aggregate classification (germline): Conflicting classifications of pathogenicity. Review status: criteria provided, conflicting classifications (1 of 4 stars). 2 submissions from 2 submitters: Uncertain significance (1); Likely benign (1). Last evaluated 2025-03-05.

Conditions:
Inborn genetic diseases. Identifiers: MedGen C0950123, MeSH D030342.

Allele frequency attached by ClinVar (database versions not stated): TOPMed 0.00002; gnomAD exomes 0.00001; ExAC 0.00002.
gnomAD v4.1: 4 of 1,614,184 alleles (0.00025%); highest among the groups gnomAD compares: East Asian, 0.0067%; no homozygotes.

Submissions (2):

Labcorp Genetics (formerly Invitae), Labcorp
Classification: Uncertain significance. Last evaluated: 2025-03-05. Review status: criteria provided, single submitter. Criteria: Invitae Variant Classification Sherloc (09022015). Collection method: clinical testing. Allele origin: germline.
Comment: This sequence change replaces cysteine, which is neutral and slightly polar, with serine, which is neutral and polar, at codon 404 of the NFIA protein (p.Cys404Ser). This variant is present in population databases (rs760170429, gnomAD 0.04%). This variant has not been reported in the literature in individuals affected with NFIA-related conditions. ClinVar contains an entry for this variant (Variation ID: 3197452). An algorithm developed to predict the effect of missense changes on protein structure and function (PolyPhen-2) suggests that this variant is likely to be disruptive. In summary, the available evidence is currently insufficient to determine the role of this variant in disease. Therefore, it has been classified as a Variant of Uncertain Significance.

Ambry Genetics
Classification: Likely benign for Inborn genetic diseases. Last evaluated: 2023-09-20. Review status: criteria provided, single submitter. Criteria: Ambry Variant Classification Scheme 2023. Collection method: clinical testing. Allele origin: germline.